The following is an entry in ClinVar:

NM_004826.4(ECEL1):c.1712A>G (p.Asn571Ser)

Gene: ECEL1 (endothelin converting enzyme like 1; minus strand). Cytogenetic location: 2q37.1.
Variant type: single nucleotide variant.
Coding change: c.1712A>G on transcript NM_004826.4 (MANE Select); coding-DNA position 1712, A replaced by G.
Protein change: p.Asn571Ser; replaces asparagine 571 with serine.
Molecular consequence: missense variant.
Genome position (GRCh38, 1-based): chr2:232,482,582, T>C on the plus strand (A>G on the coding strand, the complement: ECEL1 is on the minus strand). VCF-style: chr2-232482582-T-C. GRCh37 (hg19) VCF-style: chr2-233347292-T-C.
Other names: c.1706A>G, p.Asn569Ser (NM_001290787.2); short protein forms N569S, N571S.
Identifiers: ClinVar variation 4016001 (VCV004016001.3).

ClinVar aggregate classification (germline): Uncertain significance. Review status: criteria provided, multiple submitters, no conflicts (2 of 4 stars). 2 submissions from 2 submitters: Uncertain significance (2). Last evaluated 2025-05-04.

Conditions:
Distal arthrogryposis type 5D (DA5D). Identifiers: Orphanet 329457, MedGen C3554415, MONDO:0014028, OMIM 615065.
Inborn genetic diseases. Identifiers: MedGen C0950123, MeSH D030342.

Submissions (2):

Ambry Genetics
Classification: Uncertain significance for Inborn genetic diseases. Last evaluated: 2025-05-04. Review status: criteria provided, single submitter. Criteria: Ambry Variant Classification Scheme 2023. Collection method: clinical testing. Allele origin: germline.

Juno Genomics, Hangzhou Juno Genomics, Inc
Classification: Uncertain significance for Distal arthrogryposis type 5D. Review status: criteria provided, single submitter. Criteria: ACMG Guidelines, 2015. Collection method: clinical testing. Allele origin: germline.
Comment: Absent from controls (or at extremely low frequency if recessive) in Genome Aggregation Database.;Multiple lines of computational evidence support a deleterious effect on the gene or gene product.